The following is an entry in ClinVar:

ClinVar aggregate classification (germline): Conflicting classifications of pathogenicity. Review status: criteria provided, conflicting classifications (1 of 4 stars). 4 submissions from 4 submitters: Uncertain significance (3); Likely benign (1). Last evaluated 2024-05-14.

Conditions:
Focal segmental glomerulosclerosis 5 (FSGS5). Identifiers: Orphanet 656, MedGen C2750475, MONDO:0013191, OMIM 613237.
Charcot-Marie-Tooth disease dominant intermediate E. Also called: CHARCOT-MARIE-TOOTH NEUROPATHY WITH FOCAL SEGMENTAL GLOMERULONEPHRITIS. Identifiers: Orphanet 93114, MedGen C4302667, MONDO:0013758, OMIM 614455.

Allele frequency attached by ClinVar (database versions not stated): gnomAD 0.00001; TOPMed 0.00001; ExAC 0.00002; gnomAD exomes 0.00002.
gnomAD v4.1: 34 of 1,612,328 alleles (0.0021%); highest among the groups gnomAD compares: Non-Finnish European, 0.0023%; no homozygotes.

Submissions (4):

Fulgent Genetics
Classification: Uncertain significance for Focal segmental glomerulosclerosis 5; Charcot-Marie-Tooth disease dominant intermediate E. Last evaluated: 2024-05-14. Review status: criteria provided, single submitter. Criteria: ACMG Guidelines, 2015. Collection method: clinical testing. Allele origin: germline.

Labcorp Genetics (formerly Invitae), Labcorp
Classification: Likely benign for Charcot-Marie-Tooth disease dominant intermediate E; Focal segmental glomerulosclerosis 5. Last evaluated: 2024-01-26. Review status: criteria provided, single submitter. Criteria: Invitae Variant Classification Sherloc (09022015). Collection method: clinical testing. Allele origin: germline.

Revvity Omics, Revvity
Classification: Uncertain significance. Last evaluated: 2023-03-13. Review status: criteria provided, single submitter. Criteria: ACMG Guidelines, 2015. Collection method: clinical testing. Allele origin: germline.

GeneDx
Classification: Uncertain significance. Last evaluated: 2020-07-01. Review status: criteria provided, single submitter. Criteria: GeneDx Variant Classification Process June 2021. Collection method: clinical testing. Allele origin: germline. Affected: yes.
Comment: Not observed at a significant frequency in large population cohorts (Lek et al., 2016); In silico analysis supports that this missense variant has a deleterious effect on protein structure/function; Has not been previously published as pathogenic or benign to our knowledge

NM_022489.4(INF2):c.2767G>A (p.Ala923Thr)

Gene: INF2 (inverted formin 2; plus strand). Cytogenetic location: 14q32.33.
Variant type: single nucleotide variant.
Coding change: c.2767G>A on transcript NM_022489.4 (MANE Select); coding-DNA position 2767, G replaced by A.
Protein change: p.Ala923Thr; replaces alanine 923 with threonine.
Molecular consequence: missense variant.
Genome position (GRCh38, 1-based): chr14:104,712,984, G>A. VCF-style: chr14-104712984-G-A. GRCh37 (hg19) VCF-style: chr14-105179321-G-A.
Other names: c.2767G>A, p.Ala923Thr (NM_001031714.4); short protein forms A923T.
Identifiers: ClinVar variation 837573 (VCV000837573.14), dbSNP rs774099930, ClinGen allele CA7373062.